The following is an entry in ClinVar:

ClinVar aggregate classification (germline): Uncertain significance. Review status: criteria provided, multiple submitters, no conflicts (2 of 4 stars). 3 submissions from 3 submitters: Uncertain significance (3). Last evaluated 2025-05-25.

Conditions:
Primary ciliary dyskinesia. Also called: Ciliary dyskinesia. Identifiers: Orphanet 244, MedGen C0008780, MONDO:0016575, HP:0012265.
Inborn genetic diseases. Identifiers: MedGen C0950123, MeSH D030342.

Allele frequency attached by ClinVar (database versions not stated): TOPMed 0.00002; ExAC 0.00010; gnomAD 0.00010; 1000 Genomes Project 30x 0.00031; 1000 Genomes Project 0.00040.
gnomAD v4.1: 246 of 1,614,162 alleles (0.015%); highest among the groups gnomAD compares: East Asian, 0.54%; no homozygotes.

Submissions (3):

Ambry Genetics
Classification: Uncertain significance for Inborn genetic diseases. Last evaluated: 2025-05-25. Review status: criteria provided, single submitter. Criteria: Ambry Variant Classification Scheme 2023. Collection method: clinical testing. Allele origin: germline.

Labcorp Genetics (formerly Invitae), Labcorp
Classification: Uncertain significance. Last evaluated: 2023-04-11. Review status: criteria provided, single submitter. Criteria: Invitae Variant Classification Sherloc (09022015). Collection method: clinical testing. Allele origin: germline.
Comment: This variant is present in population databases (rs138009596, gnomAD 0.1%). This sequence change replaces isoleucine, which is neutral and non-polar, with valine, which is neutral and non-polar, at codon 2422 of the DNAH9 protein (p.Ile2422Val). This variant has not been reported in the literature in individuals affected with DNAH9-related conditions. Advanced modeling of protein sequence and biophysical properties (such as structural, functional, and spatial information, amino acid conservation, physicochemical variation, residue mobility, and thermodynamic stability) performed at Invitae indicates that this missense variant is not expected to disrupt DNAH9 protein function. In summary, the available evidence is currently insufficient to determine the role of this variant in disease. Therefore, it has been classified as a Variant of Uncertain Significance.

Molecular Genetics McLendon Clinical Laboratories, University of North Carolina at Chapel Hill
Classification: Uncertain significance for Primary ciliary dyskinesia. Last evaluated: 2023-01-26. Review status: criteria provided, single submitter. Criteria: ACMG Guidelines, 2015. Collection method: clinical testing. Allele origin: germline.

NM_001372.4(DNAH9):c.7264A>G (p.Ile2422Val)

Gene: DNAH9 (dynein axonemal heavy chain 9; plus strand). Cytogenetic location: 17p12.
Variant type: single nucleotide variant.
Coding change: c.7264A>G on transcript NM_001372.4 (MANE Select); coding-DNA position 7264, A replaced by G.
Protein change: p.Ile2422Val; replaces isoleucine 2422 with valine.
Molecular consequence: missense variant.
Genome position (GRCh38, 1-based): chr17:11,768,546, A>G. VCF-style: chr17-11768546-A-G. GRCh37 (hg19) VCF-style: chr17-11671863-A-G.
Other names: c.7264A>G (NM_001372.3); short protein forms I2422V.
Identifiers: ClinVar variation 2712229 (VCV002712229.5), dbSNP rs138009596, ClinGen allele CA8396561.